The following is an entry in ClinVar:

NM_001306080.2(LMO7):c.1286C>G (p.Pro429Arg)

Gene: LMO7 (LIM domain 7; plus strand). Cytogenetic location: 13q22.2.
Variant type: single nucleotide variant.
Coding change: c.1286C>G on transcript NM_001306080.2 (MANE Select); coding-DNA position 1286, C replaced by G.
Protein change: p.Pro429Arg; replaces proline 429 with arginine.
Molecular consequence: missense variant. On other transcripts: intron variant (1).
Genome position (GRCh38, 1-based): chr13:75,807,569, C>G. VCF-style: chr13-75807569-C-G. GRCh37 (hg19) VCF-style: chr13-76381705-C-G.
Other names: c.587C>G, p.Pro196Arg (NM_001330583.1, NM_001366632.2, NM_015842.2); c.1160C>G, p.Pro387Arg (NM_001366633.2); c.305C>G, p.Pro102Arg (NM_001366634.2, NM_001366636.2); c.1071-1585C>G (NM_005358.5); short protein forms P102R, P196R, P387R, P429R.
Identifiers: ClinVar variation 3033217 (VCV003033217.2), dbSNP rs2548688696, ClinGen allele CA388305104.

ClinVar aggregate classification (germline): Uncertain significance (0 of 4 stars; one submission).

Conditions:
LMO7-related disorder. Also called: LMO7-related condition.

Submission:

PreventionGenetics, part of Exact Sciences
Classification: Uncertain significance for LMO7-related condition. Last evaluated: 2023-10-19. Review status: no assertion criteria provided. Collection method: clinical testing. Allele origin: germline.
Comment: The LMO7 c.1286C>G variant is predicted to result in the amino acid substitution p.Pro429Arg. To our knowledge, this variant has not been reported in the literature or in a large population database, indicating this variant is rare. At this time, the clinical significance of this variant is uncertain due to the absence of conclusive functional and genetic evidence.